The following is an entry in ClinVar:

GRCh38/hg38 20p12.1(chr20:13252364-13761430)x1

Genes: ESF1 (ESF1 nucleolar pre-rRNA processing protein; minus strand), ISM1 (isthmin 1; plus strand), TASP1 (taspase 1; minus strand), LOC113939992 (Sharpr-MPRA regulatory region 9064; plus strand), LOC125384584 (Sharpr-MPRA regulatory region 7489; plus strand) and 2 more. Cytogenetic location: 20p12.1.
Variant type: copy number loss.
Change: copy number 1 (one copy instead of two) of chr20:13,252,364-13,761,430 (509.1 kb, GRCh38 coordinates, 1-based), cytogenetic band 20p12.1.
Identifiers: ClinVar variation 4796060 (VCV004796060.1).

ClinVar aggregate classification (germline): Uncertain significance (1 of 4 stars; one submission).

Submission:

Medical Genetic Center, Changzhi Maternal and Child Health Care Hospital
Classification: Uncertain significance. Last evaluated: 2025-12-10. Review status: criteria provided, single submitter. Criteria: ACMG/ClinGen CNV Guidelines, 2019. Collection method: clinical testing. Allele origin: unknown.